The following is an entry in ClinVar:

ClinVar aggregate classification (germline): Benign (1 of 4 stars; one submission).

Allele frequency attached by ClinVar (database versions not stated): 1000 Genomes Project 0.35982; 1000 Genomes Project 30x 0.36259; gnomAD 0.40167 and 0.40488; TOPMed 0.40170.
gnomAD v4.1: 60,766 of 151,618 alleles (40%); highest among the groups gnomAD compares: African/African-American, 46%; 12,459 homozygotes.

Submission:

GeneDx
Classification: Benign. Last evaluated: 2018-06-14. Review status: criteria provided, single submitter. Criteria: GeneDx Variant Classification (06012015). Collection method: clinical testing. Allele origin: germline. Affected: yes.
Comment: This variant is considered likely benign or benign based on one or more of the following criteria: it is a conservative change, it occurs at a poorly conserved position in the protein, it is predicted to be benign by multiple in silico algorithms, and/or has population frequency not consistent with disease.

NM_005751.5(AKAP9):c.6508-239C>T

Gene: AKAP9 (A-kinase anchoring protein 9; plus strand). Cytogenetic location: 7q21.2.
Variant type: single nucleotide variant.
Coding change: c.6508-239C>T on transcript NM_005751.5 (MANE Select); 239 bases into the intron before coding-DNA position 6508, C replaced by T.
Molecular consequence: intron variant.
Genome position (GRCh38, 1-based): chr7:92,070,666, C>T. VCF-style: chr7-92070666-C-T. GRCh37 (hg19) VCF-style: chr7-91699980-C-T.
Other names: c.6484-239C>T (NM_147185.3); c.1153-239C>T (NM_001379277.1).
Identifiers: ClinVar variation 677811 (VCV000677811.1), dbSNP rs34341778, ClinGen allele CA12475501.